The following is an entry in ClinVar:

ClinVar aggregate classification (germline): Likely pathogenic (1 of 4 stars; one submission).

Conditions:
Agenesis of the corpus callosum with peripheral neuropathy (ACCPN). Also called: CHARLEVOIX DISEASE; POLYNEUROPATHY, SENSORIMOTOR, WITH OR WITHOUT AGENESIS OF THE CORPUS CALLOSUM; HMSN/ACC; Hereditary Motor and Sensory Neuropathy with Agenesis of the Corpus Callosum. Identifiers: Orphanet 1496, MedGen C0795950, MONDO:0000902, OMIM 218000. Disease mechanism: loss of function.

Submission:

Natera, Inc.
Classification: Likely pathogenic for Andermann syndrome. Last evaluated: 2025-02-24. Review status: criteria provided, single submitter. Criteria: Natera Variant Classification Schema (03/2026). Collection method: clinical testing. Allele origin: germline.
Comment: The c.300dup variant in SLC12A6 is a frameshift variant predicted to shift the reading frame beginning at codon 101 and leads to a stop codon 10 codons downstream. This variant is expected to result in nonsense mediated decay, truncation, or a dysfunctional protein product. This variant is rare in the general population with a frequency below the threshold expected for the associated phenotype(s). Given the available evidence, this variant is classified as Likely Pathogenic.

NM_001365088.1(SLC12A6):c.300dup (p.His101fs)

Gene: SLC12A6 (solute carrier family 12 member 6; minus strand). Cytogenetic location: 15q14.
Variant type: Duplication.
Coding change: c.300dup on transcript NM_001365088.1 (MANE Select); coding-DNA position 300, one base duplicated (A; older notation c.300dupA).
Protein change: p.His101fs; shifts the reading frame from histidine 101.
Molecular consequence: frameshift variant. On other transcripts: intron variant (1).
Genome position (GRCh38, 1-based): chr15:34,275,361, T duplicated on the plus strand (A on the coding strand, the reverse complement: SLC12A6 is on the minus strand); the first of 2 consecutive T bases (chr15:34,275,361-34,275,362); duplicating either gives the same sequence. VCF-style (leftmost placement, unchanged base first): chr15-34275360-G-GT. GRCh37 (hg19) VCF-style: chr15-34567561-G-GT.
Other names: c.300dup (NM_133647.1); c.123dup, p.His42fs (NM_001042494.2, NM_001042495.2); c.273dup, p.His92fs (NM_001042496.2); c.147dup, p.His50fs (NM_005135.2); c.300dup, p.His101fs (NM_133647.2); c.272-14341dup (NM_001042497.2); short protein forms H101fs, H42fs, H50fs, H92fs.
Identifiers: ClinVar variation 4061478 (VCV004061478.2).